The following is an entry in ClinVar:

ClinVar aggregate classification (germline): Benign/Likely benign. Review status: criteria provided, multiple submitters, no conflicts (2 of 4 stars). 5 submissions from 5 submitters: Benign (2); Likely benign (3). Last evaluated 2026-02-01.

Conditions:
Catecholaminergic polymorphic ventricular tachycardia 2. Also called: CASQ2-Related Catecholaminergic Polymorphic Ventricular Tachycardia; VENTRICULAR TACHYCARDIA, STRESS-INDUCED POLYMORPHIC 2. Identifiers: Orphanet 3286, MedGen C2677794, MONDO:0012762, OMIM 611938.
Catecholaminergic polymorphic ventricular tachycardia 1. Also called: RYR2-Related Catecholaminergic Polymorphic Ventricular Tachycardia; VENTRICULAR TACHYCARDIA, CATECHOLAMINERGIC POLYMORPHIC, 1, WITH OR WITHOUT ATRIAL DYSFUNCTION AND/OR DILATED CARDIOMYOPATHY; VENTRICULAR TACHYCARDIA, STRESS-INDUCED POLYMORPHIC 1. Identifiers: Orphanet 3286, MedGen C1631597, MONDO:0011484, OMIM 604772.

Allele frequency attached by ClinVar (database versions not stated): 1000 Genomes Project 30x 0.00094; 1000 Genomes Project 0.00120.
gnomAD v4.1: 287 of 1,576,282 alleles (0.018%); highest among the groups gnomAD compares: African/African-American, 0.34%; 1 homozygote.

Submissions (5):

Labcorp Genetics (formerly Invitae), Labcorp
Classification: Benign for Catecholaminergic polymorphic ventricular tachycardia 1. Last evaluated: 2026-02-01. Review status: criteria provided, single submitter. Criteria: Invitae Variant Classification Sherloc (09022015). Collection method: clinical testing. Allele origin: germline.

ARUP Laboratories, Molecular Genetics and Genomics, ARUP Laboratories
Classification: Likely benign for Catecholaminergic polymorphic ventricular tachycardia 2. Last evaluated: 2024-10-25. Review status: criteria provided, single submitter. Criteria: ARUP Molecular Germline Variant Investigation Process 2024. Collection method: clinical testing. Allele origin: germline.

Blueprint Genetics
Classification: Likely benign. Last evaluated: 2024-10-02. Review status: criteria provided, single submitter. Criteria: ACMG Guidelines, 2015. Collection method: clinical testing. Allele origin: germline.

Genome-Nilou Lab
Classification: Benign for Catecholaminergic polymorphic ventricular tachycardia 2. Last evaluated: 2023-04-11. Review status: criteria provided, single submitter. Criteria: ACMG Guidelines, 2015. Collection method: clinical testing. Allele origin: germline. Affected: no.

GeneDx
Classification: Likely benign. Last evaluated: 2017-06-05. Review status: criteria provided, single submitter. Criteria: GeneDx Variant Classification (06012015). Collection method: clinical testing. Allele origin: germline. Affected: yes.
Comment: This variant is considered likely benign or benign based on one or more of the following criteria: it is a conservative change, it occurs at a poorly conserved position in the protein, it is predicted to be benign by multiple in silico algorithms, and/or has population frequency not consistent with disease.

NM_001232.4(CASQ2):c.784-17T>G

Gene: CASQ2 (calsequestrin 2; minus strand). Cytogenetic location: 1p13.1.
Variant type: single nucleotide variant.
Coding change: c.784-17T>G on transcript NM_001232.4 (MANE Select); 17 bases into the intron before coding-DNA position 784, T replaced by G.
Molecular consequence: intron variant.
Genome position (GRCh38, 1-based): chr1:115,717,911, A>C on the plus strand (T>G on the coding strand, the complement: CASQ2 is on the minus strand). VCF-style: chr1-115717911-A-C. GRCh37 (hg19) VCF-style: chr1-116260532-A-C.
Identifiers: ClinVar variation 381148 (VCV000381148.12), dbSNP rs2997741, ClinGen allele CA1023740.